The following is an entry in ClinVar:

NM_000091.5(COL4A3):c.2225G>A (p.Gly742Glu)

Genes: COL4A3 (collagen type IV alpha 3 chain; plus strand), MFF-DT (MFF divergent transcript; minus strand). Cytogenetic location: 2q36.3.
Variant type: single nucleotide variant.
Coding change: c.2225G>A on transcript NM_000091.5 (MANE Select); coding-DNA position 2225, G replaced by A.
Protein change: p.Gly742Glu; replaces glycine 742 with glutamic acid.
Molecular consequence: missense variant.
Genome position (GRCh38, 1-based): chr2:227,280,441, G>A. VCF-style: chr2-227280441-G-A. GRCh37 (hg19) VCF-style: chr2-228145157-G-A.
Other names: short protein forms G742E.
Identifiers: ClinVar variation 2098192 (VCV002098192.4), dbSNP rs2469753610, ClinGen allele CA350848895.

ClinVar aggregate classification (germline): Likely pathogenic (1 of 4 stars; one submission).

Submission:

Labcorp Genetics (formerly Invitae), Labcorp
Classification: Likely pathogenic. Last evaluated: 2022-12-21. Review status: criteria provided, single submitter. Criteria: Invitae Variant Classification Sherloc (09022015). Collection method: clinical testing. Allele origin: germline.
Comment: In summary, the currently available evidence indicates that the variant is pathogenic, but additional data are needed to prove that conclusively. Therefore, this variant has been classified as Likely Pathogenic. Algorithms developed to predict the effect of sequence changes on RNA splicing suggest that this variant may create or strengthen a splice site. Algorithms developed to predict the effect of missense changes on protein structure and function are either unavailable or do not agree on the potential impact of this missense change (SIFT: "Deleterious"; PolyPhen-2: "Not Available"; Align-GVGD: "Class C0"). This missense change has been observed in individuals with Alport syndrome (PMID: 33654185; Invitae). It has also been observed to segregate with disease in related individuals. This variant is not present in population databases (gnomAD no frequency). This sequence change replaces glycine, which is neutral and non-polar, with glutamic acid, which is acidic and polar, at codon 742 of the COL4A3 protein (p.Gly742Glu).

Literature cited by the submitters: PubMed 33654185.